The following is an entry in ClinVar:

NM_001165963.4(SCN1A):c.5348C>G (p.Ala1783Gly)

Genes: SCN1A (sodium voltage-gated channel alpha subunit 1; minus strand), LOC102724058 (uncharacterized LOC102724058; plus strand). Cytogenetic location: 2q24.3.
Variant type: single nucleotide variant.
Coding change: c.5348C>G on transcript NM_001165963.4 (MANE Select); coding-DNA position 5348, C replaced by G.
Protein change: p.Ala1783Gly; replaces alanine 1783 with glycine.
Molecular consequence: missense variant. On other transcripts: non-coding transcript variant (1).
Genome position (GRCh38, 1-based): chr2:165,991,927, G>C on the plus strand (C>G on the coding strand, the complement: SCN1A is on the minus strand). VCF-style: chr2-165991927-G-C. GRCh37 (hg19) VCF-style: chr2-166848437-G-C.
Other names: c.5264C>G, p.Ala1755Gly (NM_001165964.3, NM_001353957.2, NM_001353958.2); c.5348C>G, p.Ala1783Gly (NM_001202435.3, NM_001353948.2); c.5315C>G, p.Ala1772Gly (NM_001353949.2, NM_001353950.2, NM_001353951.2 and 2 more transcripts); c.5312C>G, p.Ala1771Gly (NM_001353954.2, NM_001353955.2); c.5261C>G, p.Ala1754Gly (NM_001353960.2); c.2906C>G, p.Ala969Gly (NM_001353961.2); short protein forms A1754G, A1755G, A1771G, A1772G, A1783G, A969G.
Identifiers: ClinVar variation 3767577 (VCV003767577.1).

ClinVar aggregate classification (germline): Pathogenic (1 of 4 stars; one submission).

Submission:

GeneDx
Classification: Pathogenic. Last evaluated: 2024-09-08. Review status: criteria provided, single submitter. Criteria: GeneDx Variant Classification Process June 2021. Collection method: clinical testing. Allele origin: germline. Affected: yes.
Comment: Not observed at significant frequency in large population cohorts (gnomAD); In silico analysis supports that this missense variant has a deleterious effect on protein structure/function; This substitution is predicted to be within the transmembrane segment S6 of the fourth homologous domain; This variant is associated with the following publications: (PMID: 30945278)